The following is an entry in ClinVar:

NM_001035.3(RYR2):c.6478A>G (p.Asn2160Asp)

Gene: RYR2 (ryanodine receptor 2; plus strand). Cytogenetic location: 1q43.
Variant type: single nucleotide variant.
Coding change: c.6478A>G on transcript NM_001035.3 (MANE Select); coding-DNA position 6478, A replaced by G.
Protein change: p.Asn2160Asp; replaces asparagine 2160 with aspartic acid.
Molecular consequence: missense variant.
Genome position (GRCh38, 1-based): chr1:237,631,464, A>G. VCF-style: chr1-237631464-A-G. GRCh37 (hg19) VCF-style: chr1-237794764-A-G.
Other names: short protein forms N2160D.
Identifiers: ClinVar variation 3070728 (VCV003070728.1), dbSNP rs2148683637, ClinGen allele CA345412310.

ClinVar aggregate classification (germline): Uncertain significance (1 of 4 stars; one submission).

Conditions:
Catecholaminergic polymorphic ventricular tachycardia (CVPT). Also called: Catecholamine-induced polymorphic ventricular tachycardia. Identifiers: Orphanet 3286, MedGen C5574922, MONDO:0017990.

Submission:

All of Us Research Program, National Institutes of Health
Classification: Uncertain significance for Catecholaminergic polymorphic ventricular tachycardia. Last evaluated: 2023-05-04. Review status: criteria provided, single submitter. Criteria: ACMG Guidelines, 2015. Collection method: clinical testing. Allele origin: germline. Inheritance: Autosomal dominant inheritance. Observed: 1 variant allele, 1 heterozygote.
Comment: This missense variant replaces asparagine with aspartic acid at codon 2160 of the RYR2 protein. Computational prediction is inconclusive regarding the impact of this variant on protein structure and function (internally defined REVEL score threshold 0.5 < inconclusive < 0.7, PMID: 27666373). To our knowledge, functional studies have not been reported for this variant. This variant has not been reported in individuals affected with RYR2-related disorders in the literature. This variant has not been identified in the general population by the Genome Aggregation Database (gnomAD). The available evidence is insufficient to determine the role of this variant in disease conclusively. Therefore, this variant is classified as a Variant of Uncertain Significance.

This study involves interpretation of variants in research participants for the purpose of population health screening. Participant phenotype was not available at the time of variant classification. Additional details can be found in publication PMID: 35346344, PMCID: PMC8962531